The following is an entry in ClinVar:

ClinVar aggregate classification (germline): Pathogenic/Likely pathogenic. Review status: criteria provided, multiple submitters, no conflicts (2 of 4 stars). 2 submissions from 2 submitters: Pathogenic (1); Likely pathogenic (1). Last evaluated 2018-10-03.

Conditions:
SCN1A-related disorder. Also called: SCN1A-related conditions; SCN1A-related condition; SCN1A-related disorders.
Severe myoclonic epilepsy in infancy (DRVT). Also called: Epileptic encephalopathy, early infantile, 6 (Dravet syndrome); Dravet syndrome; SEVERE MYOCLONIC EPILEPSY OF INFANCY; DEVELOPMENTAL AND EPILEPTIC ENCEPHALOPATHY 6A; Severe Myoclonic Epilepsy in Infancy (SMEI). Identifiers: Orphanet 33069, MedGen C0751122, MONDO:0100135, OMIM 607208.

Submissions (2):

Blueprint Genetics
Classification: Likely pathogenic for SCN1A-related disorders. Last evaluated: 2018-10-03. Review status: criteria provided, single submitter. Criteria: ACMG Guidelines, 2015. Collection method: clinical testing. Allele origin: germline. Affected: yes. Observed: 1 variant allele.

Center for Bioinformatics, Peking University
Classification: Pathogenic for Dravet syndrome. Last evaluated: 2014-12-20. Review status: criteria provided, single submitter. Criteria: Xu et al. (Hum Mutat. 2015). Collection method: research. Allele origin: de novo. Affected: yes. Observed: 1 variant allele. Study: University Clinical Cooperation “985 Project” PKU-2014-1-1.
Comment: Dravet syndrome (DS) probands were recruited from the outpatient and inpatient child neurology units of Peking University First Hospital from 2005 till present. The study was approved by the Ethics Committee of Peking University First Hospital and the Institutional Review Board at Peking University. Participants or their parents provided written informed consent before enrollment. We collected a total of 267 mutations from 255 families with probands diagnosed with DS in China. All probands fulfilled the clinical diagnostic criteria.

NM_001165963.4(SCN1A):c.5014A>C (p.Asn1672His)

Genes: SCN1A (sodium voltage-gated channel alpha subunit 1; minus strand), LOC102724058 (uncharacterized LOC102724058; plus strand). Cytogenetic location: 2q24.3.
Variant type: single nucleotide variant.
Coding change: c.5014A>C on transcript NM_001165963.4 (MANE Select); coding-DNA position 5014, A replaced by C.
Protein change: p.Asn1672His; replaces asparagine 1672 with histidine.
Molecular consequence: missense variant. On other transcripts: non-coding transcript variant (1).
Genome position (GRCh38, 1-based): chr2:165,992,261, T>G on the plus strand (A>C on the coding strand, the complement: SCN1A is on the minus strand). VCF-style: chr2-165992261-T-G. GRCh37 (hg19) VCF-style: chr2-166848771-T-G.
Other names: c.4930A>C, p.Asn1644His (NM_001165964.3, NM_001353957.2, NM_001353958.2); c.5014A>C, p.Asn1672His (NM_001202435.3, NM_001353948.2); c.4981A>C, p.Asn1661His (NM_001353949.2, NM_001353950.2, NM_001353951.2 and 2 more transcripts); c.4978A>C, p.Asn1660His (NM_001353954.2, NM_001353955.2); c.4927A>C, p.Asn1643His (NM_001353960.2); c.2572A>C, p.Asn858His (NM_001353961.2); short protein forms N1661H, N1672H, N1643H, N1660H, N858H, N1644H.
Identifiers: ClinVar variation 189897 (VCV000189897.2), dbSNP rs794726740, ClinGen allele CA303241.